The following is an entry in ClinVar:

NM_001267550.2(TTN):c.72785G>A (p.Arg24262His)

Genes: TTN (titin; minus strand), TTN-AS1 (TTN antisense RNA 1; plus strand). Cytogenetic location: 2q31.2.
Variant type: single nucleotide variant.
Coding change: c.72785G>A on transcript NM_001267550.2 (MANE Select); coding-DNA position 72785, G replaced by A.
Protein change: p.Arg24262His; replaces arginine 24262 with histidine.
Molecular consequence: missense variant.
Genome position (GRCh38, 1-based): chr2:178,573,347, C>T on the plus strand (G>A on the coding strand, the complement: TTN is on the minus strand). VCF-style: chr2-178573347-C-T. GRCh37 (hg19) VCF-style: chr2-179438074-C-T.
Other names: c.67862G>A, p.Arg22621His (NM_001256850.1); c.45590G>A, p.Arg15197His (NM_003319.4); c.65081G>A, p.Arg21694His (NM_133378.4); c.45965G>A, p.Arg15322His (NM_133432.3); c.46166G>A, p.Arg15389His (NM_133437.4); short protein forms R24262H, R15322H, R15389H, R22621H, R21694H, R15197H.
Identifiers: ClinVar variation 535701 (VCV000535701.15), dbSNP rs372390659, ClinGen allele CA1990451.

ClinVar aggregate classification (germline): Uncertain significance. Review status: criteria provided, multiple submitters, no conflicts (2 of 4 stars). 2 submissions from 2 submitters: Uncertain significance (2). Last evaluated 2025-07-25.

Conditions:
Dilated cardiomyopathy 1G (CMD1G). Identifiers: Orphanet 154, MedGen C1858763, MONDO:0011400, OMIM 604145.
Autosomal recessive limb-girdle muscular dystrophy type 2J (LGMDR10). Also called: MUSCULAR DYSTROPHY, LIMB-GIRDLE, AUTOSOMAL RECESSIVE 10; Limb-girdle muscular dystrophy, type 2J. Identifiers: Orphanet 140922, MedGen C1837342, MONDO:0012127, OMIM 608807.
TTN-related disorder. Also called: TTN-related condition; TTN-related disease; TTN-related disorders.

Allele frequency attached by ClinVar (database versions not stated): gnomAD 0.00001 and 0.00002; TOPMed 0.00001; gnomAD exomes 0.00003 and 0.00004; ExAC 0.00005; ESP Exome Variant Server 0.00008; 1000 Genomes Project 30x 0.00016; 1000 Genomes Project 0.00020.
gnomAD v4.1: 42 of 1,536,944 alleles (0.0027%); highest among the groups gnomAD compares: Middle Eastern, 0.018%; 1 homozygote.

Submissions (2):

PreventionGenetics, part of Exact Sciences
Classification: Uncertain significance for TTN-related condition. Last evaluated: 2025-07-25. Review status: criteria provided, single submitter. Criteria: ACMG Guidelines, 2015. Collection method: clinical testing. Allele origin: germline.
Comment: The TTN c.72785G>A variant is predicted to result in the amino acid substitution p.Arg24262His. To our knowledge, this variant has not been reported in the literature. This variant is reported in 0.018% of alleles in individuals of South Asian descent in gnomAD. At this time, the clinical significance of this variant is uncertain due to the absence of conclusive functional and genetic evidence.

Labcorp Genetics (formerly Invitae), Labcorp
Classification: Uncertain significance for Dilated cardiomyopathy 1G; Autosomal recessive limb-girdle muscular dystrophy type 2J. Last evaluated: 2017-08-10. Review status: criteria provided, single submitter. Criteria: Invitae Variant Classification Sherloc (09022015). Collection method: clinical testing. Allele origin: germline.